The following is an entry in ClinVar:

NM_005751.5(AKAP9):c.8374A>C (p.Asn2792His)

Gene: AKAP9 (A-kinase anchoring protein 9; plus strand). Cytogenetic location: 7q21.2.
Variant type: single nucleotide variant.
Coding change: c.8374A>C on transcript NM_005751.5 (MANE Select); coding-DNA position 8374, A replaced by C.
Protein change: p.Asn2792His; replaces asparagine 2792 with histidine.
Molecular consequence: missense variant.
Genome position (GRCh38, 1-based): chr7:92,083,383, A>C. VCF-style: chr7-92083383-A-C. GRCh37 (hg19) VCF-style: chr7-91712697-A-C.
Other names: c.3019A>C, p.Asn1007His (NM_001379277.1); c.8350A>C, p.Asn2784His (NM_147185.3); short protein forms N1007H, N2784H, N2792H.
Identifiers: ClinVar variation 2449777 (VCV002449777.2), dbSNP rs1156383005, ClinGen allele CA368138697.

ClinVar aggregate classification (germline): Uncertain significance (1 of 4 stars; one submission).

Conditions:
Cardiovascular phenotype. Identifiers: MedGen CN230736.

Submission:

Ambry Genetics
Classification: Uncertain significance for Cardiovascular phenotype. Last evaluated: 2023-02-05. Review status: criteria provided, single submitter. Criteria: Ambry Variant Classification Scheme 2023. Collection method: clinical testing. Allele origin: germline.
Comment: The p.N2792H variant (also known as c.8374A>C), located in coding exon 33 of the AKAP9 gene, results from an A to C substitution at nucleotide position 8374. The asparagine at codon 2792 is replaced by histidine, an amino acid with similar properties. This amino acid position is conserved. In addition, this alteration is predicted to be tolerated by in silico analysis. Since supporting evidence is limited at this time, the clinical significance of this alteration remains unclear.